The following is an entry in ClinVar:

ClinVar aggregate classification (germline): Benign. Review status: criteria provided, multiple submitters, no conflicts (2 of 4 stars). 3 submissions from 3 submitters: Benign (2). 1 of the submissions does not count toward it. Last evaluated 2025-06-13.

Conditions:
UBIAD1-related disorder. Also called: UBIAD1-related condition.
Schnyder crystalline corneal dystrophy (SCCD). Also called: Crystalline corneal dystrophy; Schnyder corneal dystrophy. Identifiers: Orphanet 98967, MedGen C0271287, MONDO:0007374, OMIM 121800.

Allele frequency attached by ClinVar (database versions not stated): gnomAD exomes 0.00038 and 0.00012; ExAC 0.00040; gnomAD 0.00176 and 0.00156; 1000 Genomes Project 30x 0.00109; ESP Exome Variant Server 0.00123; 1000 Genomes Project 0.00080; TOPMed 0.00179.
gnomAD v4.1: 437 of 1,614,056 alleles (0.027%); highest among the groups gnomAD compares: African/African-American, 0.49%; 3 homozygotes.

Submissions (3):

Labcorp Genetics (formerly Invitae), Labcorp
Classification: Benign. Last evaluated: 2025-06-13. Review status: criteria provided, single submitter. Criteria: Invitae Variant Classification Sherloc (09022015). Collection method: clinical testing. Allele origin: germline.

Illumina Laboratory Services, Illumina
Classification: Benign for Schnyder crystalline corneal dystrophy. Last evaluated: 2018-01-13. Review status: criteria provided, single submitter. Criteria: ICSL Variant Classification Criteria 13 December 2019. Collection method: clinical testing. Allele origin: germline.
Comment: This variant was observed in the ICSL laboratory as part of a predisposition screen in an ostensibly healthy population. It had not been previously curated by ICSL or reported in the Human Gene Mutation Database (HGMD: prior to June 1st, 2018), and was therefore a candidate for classification through an automated scoring system. Utilizing variant allele frequency, disease prevalence and penetrance estimates, and inheritance mode, an automated score was calculated to assess if this variant is too frequent to cause the disease. Based on the score and internal cut-off values, a variant classified as benign is not then subjected to further curation. The score for this variant resulted in a classification of benign for this disease.

PreventionGenetics, part of Exact Sciences
Classification: Benign for UBIAD1-related condition. Last evaluated: 2019-07-31. Review status: no assertion criteria provided. Collection method: clinical testing. Allele origin: germline. Not counted in ClinVar's aggregate classification.
Comment: This variant is classified as benign based on ACMG/AMP sequence variant interpretation guidelines (Richards et al. 2015 PMID: 25741868, with internal and published modifications).

NM_013319.3(UBIAD1):c.452A>G (p.Tyr151Cys)

Gene: UBIAD1 (UbiA prenyltransferase domain containing 1; plus strand). Cytogenetic location: 1p36.22.
Variant type: single nucleotide variant.
Coding change: c.452A>G on transcript NM_013319.3 (MANE Select); coding-DNA position 452, A replaced by G.
Protein change: p.Tyr151Cys; replaces tyrosine 151 with cysteine.
Molecular consequence: missense variant.
Genome position (GRCh38, 1-based): chr1:11,273,983, A>G. VCF-style: chr1-11273983-A-G. GRCh37 (hg19) VCF-style: chr1-11334040-A-G.
Other names: c.452A>G, p.Tyr151Cys (NM_001330349.2, NM_001330350.2); short protein forms Y151C.
Identifiers: ClinVar variation 291825 (VCV000291825.10), dbSNP rs138443305, ClinGen allele CA591149.
Genomic context (GRCh38, chr1:11,273,983, plus strand): 5'-TCGTCCGGTTCGGAGTCTTCCTCTACACGTTGGGCTGCGTCTGTGCCGCTTGCCTCTACT[A>G]CCTGTCCCCTCTGAAACTGGAGCACTTGGCTCTTATCTACTTTGGAGGCCTGTCTGGCTC-3'
Protein context (NP_037451.1, residues 141-161): LGCVCAACLY[Tyr151Cys]LSPLKLEHLA